The following is an entry in ClinVar:

ClinVar aggregate classification (germline): Likely pathogenic (1 of 4 stars; one submission).

Conditions:
Treacher Collins syndrome 1 (TCS1). Also called: TCOF1-Related Treacher Collins Syndrome. Identifiers: Orphanet 861, MedGen CN315775, MONDO:0007944, OMIM 154500.

Submission:

Labcorp Genetics (formerly Invitae), Labcorp
Classification: Likely pathogenic for Treacher Collins syndrome 1. Last evaluated: 2021-10-23. Review status: criteria provided, single submitter. Criteria: Invitae Variant Classification Sherloc (09022015). Collection method: clinical testing. Allele origin: germline.
Comment: This sequence change falls in intron 1 of the TCOF1 gene. It does not directly change the encoded amino acid sequence of the TCOF1 protein. It affects a nucleotide within the consensus splice site of the intron. This variant is not present in population databases (ExAC no frequency). This variant has been observed in individual(s) with clinical features of Treacher Collins syndrome (Invitae). In at least one individual the variant was observed to be de novo. Variants that disrupt the consensus splice site are a relatively common cause of aberrant splicing (PMID: 17576681, 9536098). Algorithms developed to predict the effect of sequence changes on RNA splicing suggest that this variant may disrupt the consensus splice site. In summary, the currently available evidence indicates that the variant is pathogenic, but additional data are needed to prove that conclusively. Therefore, this variant has been classified as Likely Pathogenic.

Literature cited by the submitters: PubMed 17576681; PubMed 9536098.

NM_001371623.1(TCOF1):c.109-3del

Gene: TCOF1 (treacle ribosome biogenesis factor 1; plus strand). Cytogenetic location: 5q32.
Variant type: Deletion.
Coding change: c.109-3del on transcript NM_001371623.1 (MANE Select); 3 bases into the intron before coding-DNA position 109, one base deleted (C; older notation c.109-3delC).
Molecular consequence: intron variant.
Genome position (GRCh38, 1-based): chr5:150,361,153, C deleted. VCF-style (leftmost placement, unchanged base first): chr5-150361152-GC-G. GRCh37 (hg19) VCF-style: chr5-149740715-GC-G.
Other names: c.109-3del (NM_001135243.2, NM_001135244.2, NM_001195141.2 and 3 more transcripts).
Identifiers: ClinVar variation 1067473 (VCV001067473.7), dbSNP rs2150398853, ClinGen allele CA2499217736.